The following is an entry in ClinVar:

ClinVar aggregate classification (germline): Likely benign. Review status: criteria provided, multiple submitters, no conflicts (2 of 4 stars). 2 submissions from 2 submitters: Likely benign (2). Last evaluated 2026-09-21.

Conditions:
Arrhythmogenic right ventricular dysplasia 10. Also called: ARRHYTHMOGENIC RIGHT VENTRICULAR DYSPLASIA, FAMILIAL, 10; Arrhythmogenic Right Ventricular Dysplasia/Cardiomyopathy10; Arrhythmogenic right ventricular dysplasia/cardiomyopathy, type 10. Identifiers: MedGen C1857777, MONDO:0012434, OMIM 610193.

Allele frequency attached by ClinVar (database versions not stated): gnomAD 0.00001; TOPMed below 0.00001.
gnomAD v4.1: 1 of 1,611,870 alleles (0.000062%); highest among the groups gnomAD compares: African/African-American, 0.0013%; no homozygotes.

Submissions (2):

Molecular Diagnostic Laboratory for Inherited Cardiovascular Disease, Montreal Heart Institute
Classification: Likely benign. Last evaluated: 2026-09-21. Review status: criteria provided, single submitter. Criteria: ACMG Guidelines, 2015. Collection method: clinical testing. Allele origin: germline. Affected: no.
Comment: BP7

Labcorp Genetics (formerly Invitae), Labcorp
Classification: Likely benign for Arrhythmogenic right ventricular dysplasia 10. Last evaluated: 2024-04-08. Review status: criteria provided, single submitter. Criteria: Invitae Variant Classification Sherloc (09022015). Collection method: clinical testing. Allele origin: germline.

NM_001943.5(DSG2):c.1368A>G (p.Glu456=)

Gene: DSG2 (desmoglein 2; plus strand). Cytogenetic location: 18q12.1.
Variant type: single nucleotide variant.
Coding change: c.1368A>G on transcript NM_001943.5 (MANE Select); coding-DNA position 1368, A replaced by G.
Protein change: p.Glu456=; no amino-acid change (glutamic acid 456 retained).
Molecular consequence: synonymous variant.
Genome position (GRCh38, 1-based): chr18:31,535,357, A>G. VCF-style: chr18-31535357-A-G. GRCh37 (hg19) VCF-style: chr18-29115320-A-G.
Other names: c.1368A>G (NM_001943.4).
Identifiers: ClinVar variation 2971845 (VCV002971845.4), dbSNP rs1048468733, ClinGen allele CA297740554.